The following is an entry in ClinVar:

NM_020163.3(SEMA3G):c.256G>T (p.Ala86Ser)

Gene: SEMA3G (semaphorin 3G; minus strand). Cytogenetic location: 3p21.1.
Variant type: single nucleotide variant.
Coding change: c.256G>T on transcript NM_020163.3 (MANE Select); coding-DNA position 256, G replaced by T.
Protein change: p.Ala86Ser; replaces alanine 86 with serine.
Molecular consequence: missense variant.
Genome position (GRCh38, 1-based): chr3:52,442,767, C>A on the plus strand (G>T on the coding strand, the complement: SEMA3G is on the minus strand). VCF-style: chr3-52442767-C-A. GRCh37 (hg19) VCF-style: chr3-52476783-C-A.
Other names: short protein forms A86S.
Identifiers: ClinVar variation 3036270 (VCV003036270.3), dbSNP rs757151742, ClinGen allele CA2438415.

ClinVar aggregate classification (germline): Uncertain significance (1 of 4 stars; one submission).

Conditions:
SEMA3G-related disorder. Also called: SEMA3G-related condition.

Allele frequency attached by ClinVar (database versions not stated): ExAC 0.00001; gnomAD 0.00003; TOPMed 0.00003.
gnomAD v4.1: 39 of 1,613,814 alleles (0.0024%); highest among the groups gnomAD compares: Middle Eastern, 0.049%; no homozygotes.

Submission:

PreventionGenetics, part of Exact Sciences
Classification: Uncertain significance for SEMA3G-related condition. Last evaluated: 2026-04-15. Review status: criteria provided, single submitter. Criteria: ACMG Guidelines, 2015. Collection method: clinical testing. Allele origin: germline.
Comment: The SEMA3G c.256G>T variant is predicted to result in the amino acid substitution p.Ala86Ser. This variant has been reported in an individual with obesity (van der Klaauw et al. 2019. PubMed ID: 30661757). Functional studies showed that this variant results in disrupted protein secretion (Figure 1 and Table S3, van der Klaauw et al. 2019. PubMed ID: 30661757). This variant is reported in 0.0062% of alleles in individuals of European (Non-Finnish) descent in gnomAD. At this time, the clinical significance of this variant is uncertain due to the absence of conclusive functional and genetic evidence.